The following is an entry in ClinVar:

ClinVar aggregate classification (germline): Benign/Likely benign. Review status: criteria provided, multiple submitters, no conflicts (2 of 4 stars). 2 submissions from 2 submitters: Benign (1); Likely benign (1). Last evaluated 2025-11-27.

Conditions:
Methylmalonic acidemia due to transcobalamin receptor defect (MATR). Also called: METHYLMALONIC ACIDURIA, TRANSIENT, DUE TO TRANSCOBALAMIN RECEPTOR DEFECT; METHYLMALONIC ACIDEMIA, TCblR TYPE. Identifiers: Orphanet 280183, MedGen C4749905, MONDO:0013341, OMIM 613646.

Allele frequency attached by ClinVar (database versions not stated): gnomAD 0.00021 and 0.00031; TOPMed 0.00025; gnomAD exomes 0.00028 and 0.00070; ExAC 0.00068; 1000 Genomes Project 30x 0.00109; 1000 Genomes Project 0.00120.
gnomAD v4.1: 465 of 1,614,028 alleles (0.029%); highest among the groups gnomAD compares: South Asian, 0.25%; 1 homozygote.

Submissions (2):

Labcorp Genetics (formerly Invitae), Labcorp
Classification: Benign for Methylmalonic acidemia due to transcobalamin receptor defect. Last evaluated: 2025-11-27. Review status: criteria provided, single submitter. Criteria: Invitae Variant Classification Sherloc (09022015). Collection method: clinical testing. Allele origin: germline.

GeneDx
Classification: Likely benign. Last evaluated: 2017-10-23. Review status: criteria provided, single submitter. Criteria: GeneDx Variant Classification (06012015). Collection method: clinical testing. Allele origin: germline. Affected: yes.
Comment: This variant is considered likely benign or benign based on one or more of the following criteria: it is a conservative change, it occurs at a poorly conserved position in the protein, it is predicted to be benign by multiple in silico algorithms, and/or has population frequency not consistent with disease.

NM_016579.4(CD320):c.759C>T (p.Leu253=)

Gene: CD320 (CD320 molecule; minus strand). Cytogenetic location: 19p13.2.
Variant type: single nucleotide variant.
Coding change: c.759C>T on transcript NM_016579.4 (MANE Select); coding-DNA position 759, C replaced by T.
Protein change: p.Leu253=; no amino-acid change (leucine 253 retained).
Molecular consequence: synonymous variant.
Genome position (GRCh38, 1-based): chr19:8,302,553, G>A on the plus strand (C>T on the coding strand, the complement: CD320 is on the minus strand). VCF-style: chr19-8302553-G-A. GRCh37 (hg19) VCF-style: chr19-8367437-G-A.
Other names: c.633C>T, p.Leu211= (NM_001165895.2).
Identifiers: ClinVar variation 512916 (VCV000512916.10), dbSNP rs200607555, ClinGen allele CA9154618.